The following is an entry in ClinVar:

ClinVar aggregate classification (germline): Likely pathogenic (1 of 4 stars; one submission).

Conditions:
Microcephaly and chorioretinopathy 3. Also called: Microcephaly and chorioretinopathy, autosomal recessive, 3. Identifiers: MedGen C4225362, MONDO:0014592, OMIM 616335.

Submission:

Breda Genetics srl
Classification: Likely pathogenic for Microcephaly and chorioretinopathy 3. Last evaluated: 2021-01-14. Review status: criteria provided, single submitter. Criteria: ACMG Guidelines, 2015. Collection method: clinical testing. Allele origin: inherited. Inheritance: Autosomal recessive inheritance. Affected: yes. Observed: 1 variant allele, 1 heterozygote.
Comment: The variant c.343del (p.His116Ilefs*11) in the TUBGCP4 gene creates a shift in the reading frame which is predicted to result in a premature stop codon 11 amino acids downstream, which is likely to result in a truncated protein or protein loss due to nonsense-mediated messenger decay (NMD). There is no information on frequency in gnomAD or 1000 Genomes Project.

NM_014444.5(TUBGCP4):c.346del (p.His116fs)

Gene: TUBGCP4 (tubulin gamma complex component 4; plus strand). Cytogenetic location: 15q15.3.
Variant type: Deletion.
Coding change: c.346del on transcript NM_014444.5 (MANE Select); coding-DNA position 346, one base deleted (C; older notation c.346delC).
Protein change: p.His116fs; shifts the reading frame from histidine 116.
Molecular consequence: frameshift variant.
Genome position (GRCh38, 1-based): chr15:43,377,029, C deleted; the last of 4 consecutive C bases (chr15:43,377,026-43,377,029); deleting any one gives the same sequence. VCF-style (leftmost placement, unchanged base first): chr15-43377025-TC-T. GRCh37 (hg19) VCF-style: chr15-43669223-TC-T.
Other names: c.346del, p.His116fs (NM_001286414.3); c.343del (NM_001286414.3); short protein forms H116fs.
Identifiers: ClinVar variation 1299230 (VCV001299230.1), dbSNP rs1196276711, ClinGen allele CA712977143.